The following is an entry in ClinVar:

NM_018417.6(ADCY10):c.1795A>G (p.Ile599Val)

Gene: ADCY10 (adenylate cyclase 10; minus strand). Cytogenetic location: 1q24.2.
Variant type: single nucleotide variant.
Coding change: c.1795A>G on transcript NM_018417.6 (MANE Select); coding-DNA position 1795, A replaced by G.
Protein change: p.Ile599Val; replaces isoleucine 599 with valine.
Molecular consequence: missense variant.
Genome position (GRCh38, 1-based): chr1:167,860,885, T>C on the plus strand (A>G on the coding strand, the complement: ADCY10 is on the minus strand). VCF-style: chr1-167860885-T-C. GRCh37 (hg19) VCF-style: chr1-167830123-T-C.
Other names: c.1336A>G, p.Ile446Val (NM_001167749.3); c.1519A>G, p.Ile507Val (NM_001297772.2); short protein forms I507V, I446V, I599V.
Identifiers: ClinVar variation 1898702 (VCV001898702.5), dbSNP rs746793741, ClinGen allele CA1227846.

ClinVar aggregate classification (germline): Uncertain significance (1 of 4 stars; one submission).

Allele frequency attached by ClinVar (database versions not stated): TOPMed below 0.00001; ExAC 0.00002.
gnomAD v4.1: 13 of 1,614,038 alleles (0.00081%); highest among the groups gnomAD compares: Middle Eastern, 0.016%; no homozygotes.

Submission:

Labcorp Genetics (formerly Invitae), Labcorp
Classification: Uncertain significance. Last evaluated: 2022-08-31. Review status: criteria provided, single submitter. Criteria: Invitae Variant Classification Sherloc (09022015). Collection method: clinical testing. Allele origin: germline.
Comment: In summary, the available evidence is currently insufficient to determine the role of this variant in disease. Therefore, it has been classified as a Variant of Uncertain Significance. Algorithms developed to predict the effect of missense changes on protein structure and function output the following: SIFT: "Tolerated"; PolyPhen-2: "Benign"; Align-GVGD: "Class C0". The valine amino acid residue is found in multiple mammalian species, which suggests that this missense change does not adversely affect protein function. This variant has not been reported in the literature in individuals affected with ADCY10-related conditions. This variant is present in population databases (rs746793741, gnomAD 0.01%). This sequence change replaces isoleucine, which is neutral and non-polar, with valine, which is neutral and non-polar, at codon 599 of the ADCY10 protein (p.Ile599Val).